The following is an entry in ClinVar:

ClinVar aggregate classification (germline): Uncertain significance (1 of 4 stars; one submission).

Conditions:
Autoimmune lymphoproliferative syndrome type 2A (ALPS2A). Also called: CASP10-Related Autoimmune Lymphoproliferative Syndrome; AUTOIMMUNE LYMPHOPROLIFERATIVE SYNDROME, TYPE IIA; Autoimmune lymphoproliferative syndrome type 2. Identifiers: Orphanet 3261, MedGen C1858968, MONDO:0011383, OMIM 603909.

Allele frequency attached by ClinVar (database versions not stated): TOPMed 0.00001.
gnomAD v4.1: 3 of 1,614,104 alleles (0.00019%); highest among the groups gnomAD compares: Non-Finnish European, 0.00017%; no homozygotes.

Submission:

Labcorp Genetics (formerly Invitae), Labcorp
Classification: Uncertain significance for Autoimmune lymphoproliferative syndrome type 2A. Last evaluated: 2025-08-24. Review status: criteria provided, single submitter. Criteria: Invitae Variant Classification Sherloc (09022015). Collection method: clinical testing. Allele origin: germline.
Comment: This sequence change replaces serine, which is neutral and polar, with glycine, which is neutral and non-polar, at codon 429 of the CASP10 protein (p.Ser429Gly). This variant is not present in population databases (gnomAD no frequency). This variant has not been reported in the literature in individuals affected with CASP10-related conditions. ClinVar contains an entry for this variant (Variation ID: 1014291). Invitae Evidence Modeling of protein sequence and biophysical properties (such as structural, functional, and spatial information, amino acid conservation, physicochemical variation, residue mobility, and thermodynamic stability) indicates that this missense variant is not expected to disrupt CASP10 protein function with a negative predictive value of 80%. In summary, the available evidence is currently insufficient to determine the role of this variant in disease. Therefore, it has been classified as a Variant of Uncertain Significance.

NM_032977.4(CASP10):c.1285A>G (p.Ser429Gly)

Gene: CASP10 (caspase 10; plus strand). Cytogenetic location: 2q33.1.
Variant type: single nucleotide variant.
Coding change: c.1285A>G on transcript NM_032977.4 (MANE Select); coding-DNA position 1285, A replaced by G.
Protein change: p.Ser429Gly; replaces serine 429 with glycine.
Molecular consequence: missense variant. On other transcripts: 3 prime UTR variant (1).
Genome position (GRCh38, 1-based): chr2:201,209,432, A>G. VCF-style: chr2-201209432-A-G. GRCh37 (hg19) VCF-style: chr2-202074155-A-G.
Other names: c.1084A>G, p.Ser362Gly (NM_001206524.2); c.1156A>G, p.Ser386Gly (NM_001206542.2, NM_001230.5); c.1285A>G, p.Ser429Gly (NM_032974.5); c.*371A>G (NM_032976.4); short protein forms S362G, S386G, S429G.
Identifiers: ClinVar variation 1014291 (VCV001014291.11), dbSNP rs1945323812, ClinGen allele CA350292522.